The following is an entry in ClinVar:

ClinVar aggregate classification (germline): Uncertain significance (1 of 4 stars; one submission).

gnomAD v4.1: 1 of 1,614,200 alleles (0.000062%); highest among the groups gnomAD compares: African/African-American, 0.0013%; no homozygotes.

Submission:

CeGaT Center for Human Genetics Tuebingen
Classification: Uncertain significance. Last evaluated: 2025-09-01. Review status: criteria provided, single submitter. Criteria: CeGaT Center For Human Genetics Tuebingen Variant Classification Criteria Version 2. Collection method: clinical testing. Allele origin: germline. Affected: yes. Observed: 1 variant allele.
Comment: UBAP2L: PS2:Supporting, BP4

NM_014847.4(UBAP2L):c.2045G>A (p.Ser682Asn)

Gene: UBAP2L (ubiquitin associated protein 2 like; plus strand). Cytogenetic location: 1q21.3.
Variant type: single nucleotide variant.
Coding change: c.2045G>A on transcript NM_014847.4 (MANE Select); coding-DNA position 2045, G replaced by A.
Protein change: p.Ser682Asn; replaces serine 682 with asparagine.
Molecular consequence: missense variant.
Genome position (GRCh38, 1-based): chr1:154,255,287, G>A. VCF-style: chr1-154255287-G-A. GRCh37 (hg19) VCF-style: chr1-154227763-G-A.
Other names: c.2045G>A, p.Ser682Asn (NM_001375623.1, NM_001375624.1, NM_001375626.1 and 14 more transcripts); c.2078G>A, p.Ser693Asn (NM_001375625.1, NM_001287816.1, NM_001330730.1 and 2 more transcripts); c.2024G>A, p.Ser675Asn (NM_001287815.1); short protein forms S675N, S682N, S693N.
Identifiers: ClinVar variation 4281205 (VCV004281205.7).